The following is an entry in ClinVar:

NM_001277115.2(DNAH11):c.895_896dup (p.Val300fs)

Gene: DNAH11 (dynein axonemal heavy chain 11; plus strand). Cytogenetic location: 7p15.3.
Variant type: Duplication.
Coding change: c.895_896dup on transcript NM_001277115.2 (MANE Select); coding-DNA positions 895 to 896, 2 bases duplicated (GT; older notation c.895_896dupGT).
Protein change: p.Val300fs; shifts the reading frame from valine 300.
Molecular consequence: frameshift variant.
Genome position (GRCh38, 1-based): chr7:21,561,083-21,561,084, GT duplicated; duplicating any 2 consecutive bases within chr7:21,561,082-21,561,084 gives the same sequence; the c. name uses the placement nearest the transcript's 3' end. VCF-style (leftmost placement, unchanged base first): chr7-21561081-C-CTG. GRCh37 (hg19) VCF-style: chr7-21600699-C-CTG.
Other names: c.895_896dup, p.Val300Leufs (NM_003777.3); short protein forms V300fs.
Identifiers: ClinVar variation 2858012 (VCV002858012.3), dbSNP rs2534483084, ClinGen allele CA2739266291.

ClinVar aggregate classification (germline): Pathogenic (1 of 4 stars; one submission).

Conditions:
Primary ciliary dyskinesia. Also called: Ciliary dyskinesia. Identifiers: Orphanet 244, MedGen C0008780, MONDO:0016575, HP:0012265.

Submission:

Labcorp Genetics (formerly Invitae), Labcorp
Classification: Pathogenic for Primary ciliary dyskinesia. Last evaluated: 2023-04-20. Review status: criteria provided, single submitter. Criteria: Invitae Variant Classification Sherloc (09022015). Collection method: clinical testing. Allele origin: germline.
Comment: This sequence change creates a premature translational stop signal (p.Val300Leufs*9) in the DNAH11 gene. It is expected to result in an absent or disrupted protein product. Loss-of-function variants in DNAH11 are known to be pathogenic (PMID: 18022865, 20513915, 22184204). This variant is not present in population databases (gnomAD no frequency). This variant has not been reported in the literature in individuals affected with DNAH11-related conditions. For these reasons, this variant has been classified as Pathogenic.

Literature cited by the submitters: PubMed 18022865; PubMed 20513915; PubMed 22184204.